The following is an entry in ClinVar:

NM_003000.3(SDHB):c.196A>C (p.Asn66His)

Gene: SDHB (succinate dehydrogenase complex iron sulfur subunit B; minus strand). Cytogenetic location: 1p36.13.
Variant type: single nucleotide variant.
Coding change: c.196A>C on transcript NM_003000.3 (MANE Select); coding-DNA position 196, A replaced by C.
Protein change: p.Asn66His; replaces asparagine 66 with histidine.
Molecular consequence: missense variant.
Genome position (GRCh38, 1-based): chr1:17,044,765, T>G on the plus strand (A>C on the coding strand, the complement: SDHB is on the minus strand). VCF-style: chr1-17044765-T-G. GRCh37 (hg19) VCF-style: chr1-17371260-T-G.
Other names: c.196A>C, p.Asn66His (NM_001407361.1); short protein forms N66H.
Identifiers: ClinVar variation 4547843 (VCV004547843.1).

ClinVar aggregate classification (germline): Uncertain significance (1 of 4 stars; one submission).

Conditions:
Hereditary cancer-predisposing syndrome. Also called: Tumor predisposition; Hereditary Cancer Syndrome; Hereditary neoplastic syndrome; Neoplastic Syndromes, Hereditary. Identifiers: Orphanet 140162, MedGen C0027672, MeSH D009386, MONDO:0015356.

Submission:

Ambry Genetics
Classification: Uncertain significance for Hereditary cancer-predisposing syndrome. Last evaluated: 2025-11-26. Review status: criteria provided, single submitter. Criteria: Ambry Variant Classification Scheme 2023. Collection method: clinical testing. Allele origin: germline.
Comment: The p.N66H variant (also known as c.196A>C), located in coding exon 2 of the SDHB gene, results from an A to C substitution at nucleotide position 196. The asparagine at codon 66 is replaced by histidine, an amino acid with similar properties. This amino acid position is conserved. In addition, the in silico prediction for this alteration is inconclusive. Based on the available evidence, the clinical significance of this variant remains unclear.